The following is an entry in ClinVar:

NM_001127222.2(CACNA1A):c.399+5G>A

Gene: CACNA1A (calcium voltage-gated channel subunit alpha1 A; minus strand). Cytogenetic location: 19p13.13.
Variant type: single nucleotide variant.
Coding change: c.399+5G>A on transcript NM_001127222.2 (MANE Select); 5 bases into the intron after coding-DNA position 399, G replaced by A.
Molecular consequence: intron variant.
Genome position (GRCh38, 1-based): chr19:13,455,102, C>T on the plus strand (G>A on the coding strand, the complement: CACNA1A is on the minus strand). VCF-style: chr19-13455102-C-T. GRCh37 (hg19) VCF-style: chr19-13565916-C-T.
Other names: c.399+5G>A (NM_001127221.2, NM_001174080.2, NM_000068.4 and 1 more transcripts).
Identifiers: ClinVar variation 4792764 (VCV004792764.1).

ClinVar aggregate classification (germline): Uncertain significance (1 of 4 stars; one submission).

Conditions:
Episodic ataxia type 2 (EA2). Also called: ACETAZOLAMIDE-RESPONSIVE HEREDITARY PAROXYSMAL CEREBELLAR ATAXIA; ATAXIA, EPISODIC, WITH NYSTAGMUS; ATAXIA, FAMILIAL PAROXYSMAL; CEREBELLAR ATAXIA, PAROXYSMAL, ACETAZOLAMIDE-RESPONSIVE; CEREBELLOPATHY, HEREDITARY PAROXYSMAL; EPISODIC ATAXIA, NYSTAGMUS-ASSOCIATED. Identifiers: Orphanet 97, MedGen C1720416, MONDO:0007163, OMIM 108500.
Developmental and epileptic encephalopathy, 42 (DEE42A). Also called: Epileptic encephalopathy, early infantile, 42; DEVELOPMENTAL AND EPILEPTIC ENCEPHALOPATHY 42A; EPILEPTIC ENCEPHALOPATHY, EARLY INFANTILE, 42A. Identifiers: MedGen C4310716, MONDO:0014917, OMIM 617106.

gnomAD v4.1: 3 of 1,579,190 alleles (0.00019%); highest among the groups gnomAD compares: Non-Finnish European, 0.00026%; no homozygotes.

Submission:

Labcorp Genetics (formerly Invitae), Labcorp
Classification: Uncertain significance for Developmental and epileptic encephalopathy, 42; Episodic ataxia type 2. Last evaluated: 2025-09-08. Review status: criteria provided, single submitter. Criteria: Invitae Variant Classification Sherloc (09022015). Collection method: clinical testing. Allele origin: germline.
Comment: This sequence change falls in intron 2 of the CACNA1A gene. It does not directly change the encoded amino acid sequence of the CACNA1A protein. It affects a nucleotide within the consensus splice site. This variant is not present in population databases (gnomAD no frequency). This variant has not been reported in the literature in individuals affected with CACNA1A-related conditions. Variants that disrupt the consensus splice site are a relatively common cause of aberrant splicing (PMID: 17576681, 9536098). Algorithms developed to predict the effect of sequence changes on RNA splicing suggest that this variant may disrupt the consensus splice site. In summary, the available evidence is currently insufficient to determine the role of this variant in disease. Therefore, it has been classified as a Variant of Uncertain Significance.

Literature cited by the submitters: PubMed 17576681; PubMed 9536098.